The following is an entry in ClinVar:

ClinVar aggregate classification (germline): Benign/Likely benign. Review status: criteria provided, multiple submitters, no conflicts (2 of 4 stars). 3 submissions from 3 submitters: Benign (1); Likely benign (1). 1 of the submissions does not count toward it. Last evaluated 2024-11-25.

Conditions:
GATA4-related disorder. Also called: GATA4-related condition. Identifiers: MedGen CN860321.

Allele frequency attached by ClinVar (database versions not stated): 1000 Genomes Project 30x 0.00656; 1000 Genomes Project 0.00539.
gnomAD v4.1: 731 of 152,334 alleles (0.48%); highest among the groups gnomAD compares: African/African-American, 1.6%; 11 homozygotes.

Submissions (3):

Blueprint Genetics
Classification: Benign. Last evaluated: 2024-11-25. Review status: criteria provided, single submitter. Criteria: ACMG Guidelines, 2015. Collection method: clinical testing. Allele origin: germline.

GeneDx
Classification: Likely benign. Last evaluated: 2018-10-05. Review status: criteria provided, single submitter. Criteria: GeneDx Variant Classification Process June 2021. Collection method: clinical testing. Allele origin: germline. Affected: yes.

PreventionGenetics, part of Exact Sciences
Classification: Benign for GATA4-related condition. Last evaluated: 2024-05-31. Review status: no assertion criteria provided. Collection method: clinical testing. Allele origin: germline. Not counted in ClinVar's aggregate classification.
Comment: This variant is classified as benign based on ACMG/AMP sequence variant interpretation guidelines (Richards et al. 2015 PMID: 25741868, with internal and published modifications).

NC_000008.11:g.11703892G>C

Gene: GATA4 (GATA binding protein 4). Cytogenetic location: 8p23.1.
Variant type: single nucleotide variant.
Molecular consequence: intron variant (on NM_001308094.2).
Genome position: GRCh38 VCF-style: chr8-11703892-G-C. GRCh37 (hg19) VCF-style: chr8-11561401-G-C.
Other names: c.-6+3114G>C (NM_001308094.2).
Identifiers: ClinVar variation 1189580 (VCV001189580.6), dbSNP rs560860578, ClinGen allele CA172070369.
Genomic context (GRCh38, chr8:11,703,892, plus strand): 5'-ACCTTCTTCTCTACTGGCCCCGCCCCTCGCCCGCCGCTGCGGGATGAGGACCACAGGAAG[G>C]GGGGGCGGGGAGGGAGAAAGGGAACTCATTAATAAAGCTGACCCTGGGCACCACAGCGAA-3'